The following is an entry in ClinVar:

NM_001348323.3(TRIP12):c.6050C>A (p.Thr2017Lys)

Gene: TRIP12 (thyroid hormone receptor interactor 12; minus strand). Cytogenetic location: 2q36.3.
Variant type: single nucleotide variant.
Coding change: c.6050C>A on transcript NM_001348323.3 (MANE Select); coding-DNA position 6050, C replaced by A.
Protein change: p.Thr2017Lys; replaces threonine 2017 with lysine.
Molecular consequence: missense variant.
Genome position (GRCh38, 1-based): chr2:229,767,708, G>T on the plus strand (C>A on the coding strand, the complement: TRIP12 is on the minus strand). VCF-style: chr2-229767708-G-T. GRCh37 (hg19) VCF-style: chr2-230632424-G-T.
Other names: c.5924C>A, p.Thr1975Lys (NM_001348316.2, NM_001284215.2); c.5909C>A, p.Thr1970Lys (NM_001348317.1, NM_001348318.2); c.6035C>A, p.Thr2012Lys (NM_001348319.1, NM_001348320.2); c.6038C>A, p.Thr2013Lys (NM_001348321.1); c.6050C>A, p.Thr2017Lys (NM_001348322.1, NM_001348324.2, NM_001348325.2 and 2 more transcripts); c.6053C>A, p.Thr2018Lys (NM_001348328.1, NM_001348329.2, NM_001348330.2); c.5828C>A, p.Thr1943Lys (NM_001348331.1); c.5948C>A, p.Thr1983Lys (NM_001348332.1); and 4 more; short protein forms T1672K, T1942K, T1943K, T1970K, T1975K, T1983K, T1990K, T1991K.
Identifiers: ClinVar variation 4865945 (VCV004865945.1).

ClinVar aggregate classification (germline): Uncertain significance (1 of 4 stars; one submission).

Conditions:
Inborn genetic diseases. Identifiers: MedGen C0950123, MeSH D030342.

Submission:

Ambry Genetics
Classification: Uncertain significance for Inborn genetic diseases. Last evaluated: 2026-06-10. Review status: criteria provided, single submitter. Criteria: Ambry Variant Classification Scheme 2023. Collection method: clinical testing. Allele origin: germline.
Comment: The c.5825C>A (p.T1942K) alteration is located in exon 41 (coding exon 40) of the TRIP12 gene. This alteration results from a C to A substitution at nucleotide position 5825, causing the threonine (T) at amino acid position 1942 to be replaced by a lysine (K). This variant was not reported in population-based cohorts in the Genome Aggregation Database (gnomAD). This amino acid position is highly conserved in available vertebrate species. This missense variant is located in a region that has a low rate of benign missense variation (Lek, 2016; Firth, 2009). This alteration is predicted to be deleterious by in silico analysis. Based on insufficient or conflicting evidence, the clinical significance of this alteration remains unclear.